The following is an entry in ClinVar:

ClinVar aggregate classification (germline): Pathogenic (1 of 4 stars; one submission).

Submission:

Labcorp Genetics (formerly Invitae), Labcorp
Classification: Pathogenic. Last evaluated: 2020-03-05. Review status: criteria provided, single submitter. Criteria: Invitae Variant Classification Sherloc (09022015). Collection method: clinical testing. Allele origin: germline.
Comment: This variant is not present in population databases (ExAC no frequency). This sequence change creates a premature translational stop signal (p.Phe292Leufs*59) in the LZTR1 gene. It is expected to result in an absent or disrupted protein product. This variant has not been reported in the literature in individuals with LZTR1-related conditions. For these reasons, this variant has been classified as Pathogenic. Loss-of-function variants in LZTR1 are known to be pathogenic (PMID: 24362817, 25335493, 25480913, 29469822, 30442762, 30859559).

Literature cited by the submitters: PubMed 24362817; PubMed 25335493; PubMed 25480913; PubMed 29469822; PubMed 30442762; PubMed 30859559.

NM_006767.4(LZTR1):c.876del (p.Phe292fs)

Gene: LZTR1 (leucine zipper like post translational regulator 1; plus strand). Cytogenetic location: 22q11.21.
Variant type: Deletion.
Coding change: c.876del on transcript NM_006767.4 (MANE Select); coding-DNA position 876, one base deleted (T; older notation c.876delT).
Protein change: p.Phe292fs; shifts the reading frame from phenylalanine 292.
Molecular consequence: frameshift variant.
Genome position (GRCh38, 1-based): chr22:20,991,712, T deleted; the last of 3 consecutive T bases (chr22:20,991,710-20,991,712); deleting any one gives the same sequence. VCF-style (leftmost placement, unchanged base first): chr22-20991709-CT-C. GRCh37 (hg19) VCF-style: chr22-21345998-CT-C.
Other names: short protein forms F292fs.
Identifiers: ClinVar variation 1073027 (VCV001073027.7), dbSNP rs2147964938, ClinGen allele CA2499226021.